The following is an entry in ClinVar:

ClinVar aggregate classification (germline): Conflicting classifications of pathogenicity. Review status: criteria provided, conflicting classifications (1 of 4 stars). 2 submissions from 2 submitters: Pathogenic (1); Uncertain significance (1). Last evaluated 2020-03-13.

Conditions:
Long QT syndrome (LQTS). Identifiers: MedGen C0023976, MeSH D008133, MONDO:0002442. Disease mechanism: loss of function. Inheritance: Various modes of inheritance.

Submissions (2):

Labcorp Genetics (formerly Invitae), Labcorp
Classification: Pathogenic for Long QT syndrome. Last evaluated: 2020-03-13. Review status: criteria provided, single submitter. Criteria: Invitae Variant Classification Sherloc (09022015). Collection method: clinical testing. Allele origin: germline.
Comment: This sequence change results in a premature translational stop signal in the KCNH2 gene (p.Ser1029Argfs*87). While this is not anticipated to result in nonsense mediated decay, it is expected to disrupt the last 131 amino acids of the KCNH2 protein. While this variant is not present in population databases, the frequency information is unreliable, as metrics indicate poor data quality at this position in the ExAC database. This variant has not been reported in the literature in individuals with KCNH2-related disease. ClinVar contains an entry for this variant (Variation ID: 526924). This variant disrupts the C-terminus of the KCNH2 protein. Other variant(s) that disrupt this region (p.Glu1119*) have been determined to be pathogenic (PMID: 27920829, Invitae). This suggests that variants that disrupt this region of the protein are likely to be causative of disease. For these reasons, this variant has been classified as Pathogenic.

Women's Health and Genetics/Laboratory Corporation of America, LabCorp
Classification: Uncertain significance. Last evaluated: 2019-10-15. Review status: criteria provided, single submitter. Criteria: LabCorp Variant Classification Summary - May 2015. Collection method: clinical testing. Allele origin: germline.
Comment: Variant summary: KCNH2 c.3087_3096delinsGC (p.Ser1029ArgfsX87) results in a premature termination codon, predicted to cause a truncation of the encoded protein, however may not result in nonsense mediated decay. While the effect of this variant is unknown, mutations in the c-terminal domain may impact protein trafficing (Kupershmidt_2002). The variant was absent in 145596 control chromosomes (gnomAD). To our knowledge, no occurrence of c.3087_3096delinsGC in individuals affected with Arrhythmia and no experimental evidence demonstrating its impact on protein function have been reported. One clinical diagnostic laboratory has submitted clinical-significance assessments for this variant to ClinVar after 2014 without evidence for independent evaluation. One laboratory classified the variant as uncertain significance. Based on the evidence outlined above, the variant was classified as VUS - possibly pathogenic variant.

Literature cited by the submitters: PubMed 27920829 (cited by Labcorp Genetics (formerly Invitae), Labcorp); PubMed 12021266 (cited by Women's Health and Genetics/Laboratory Corporation of America, LabCorp).

NM_000238.4(KCNH2):c.3087_3096delinsGC (p.Ser1029fs)

Gene: KCNH2 (potassium voltage-gated channel subfamily H member 2; minus strand). Cytogenetic location: 7q36.1.
Variant type: Indel.
Coding change: c.3087_3096delinsGC on transcript NM_000238.4 (MANE Select); coding-DNA positions 3087 to 3096, CCCGGGTCGG replaced by GC.
Protein change: p.Ser1029fs; shifts the reading frame from serine 1029.
Molecular consequence: frameshift variant.
Genome position (GRCh38, 1-based): chr7:150,947,384-150,947,393, CCGACCCGGG replaced by GC on the plus strand (CCCGGGTCGG replaced by GC on the coding strand, the reverse complement: KCNH2 is on the minus strand). VCF-style: chr7-150947384-CCGACCCGGG-GC. GRCh37 (hg19) VCF-style: chr7-150644472-CCGACCCGGG-GC.
Other names: c.2067_2076delinsGC, p.Ser689fs (NM_172057.3); short protein forms S689fs, S1029fs.
Identifiers: ClinVar variation 526924 (VCV000526924.6), dbSNP rs1554424085, ClinGen allele CA658797030.